The following is an entry in ClinVar:

ClinVar aggregate classification (germline): Uncertain significance. Review status: criteria provided, single submitter (1 of 4 stars). 2 submissions from 2 submitters: Uncertain significance (1). 1 of the submissions does not count toward it. Last evaluated 2023-11-21.

Conditions:
SEMA3F-related disorder. Also called: SEMA3F-related condition.

Allele frequency attached by ClinVar (database versions not stated): gnomAD 0.00001; ExAC 0.00002; TOPMed 0.00002.
gnomAD v4.1: 32 of 1,612,416 alleles (0.002%); highest among the groups gnomAD compares: South Asian, 0.011%; no homozygotes.

Submissions (2):

Ambry Genetics
Classification: Uncertain significance. Last evaluated: 2023-11-21. Review status: criteria provided, single submitter. Criteria: Ambry Variant Classification Scheme 2023. Collection method: clinical testing. Allele origin: germline.

PreventionGenetics, part of Exact Sciences
Classification: Uncertain significance for SEMA3F-related condition. Last evaluated: 2024-06-17. Review status: no assertion criteria provided. Collection method: clinical testing. Allele origin: germline. Not counted in ClinVar's aggregate classification.
Comment: The SEMA3F c.80C>T variant is predicted to result in the amino acid substitution p.Pro27Leu. To our knowledge, this variant has not been reported in the literature. This variant is reported in 0.0059% of alleles in individuals of Latino descent in gnomAD. At this time, the clinical significance of this variant is uncertain due to the absence of conclusive functional and genetic evidence.

NM_004186.5(SEMA3F):c.80C>T (p.Pro27Leu)

Gene: SEMA3F (semaphorin 3F; plus strand). Cytogenetic location: 3p21.31.
Variant type: single nucleotide variant.
Coding change: c.80C>T on transcript NM_004186.5 (MANE Select); coding-DNA position 80, C replaced by T.
Protein change: p.Pro27Leu; replaces proline 27 with leucine.
Molecular consequence: missense variant. On other transcripts: 5 prime UTR variant (1).
Genome position (GRCh38, 1-based): chr3:50,159,702, C>T. VCF-style: chr3-50159702-C-T. GRCh37 (hg19) VCF-style: chr3-50197135-C-T.
Other names: c.-125C>T (NM_001318798.2); c.80C>T, p.Pro27Leu (NM_001318800.2); c.80C>T (NM_004186.3); short protein forms P27L.
Identifiers: ClinVar variation 2631886 (VCV002631886.3), dbSNP rs747998403, ClinGen allele CA2411611.